The following is an entry in ClinVar:

ClinVar aggregate classification (germline): Likely benign (1 of 4 stars; one submission).

Conditions:
Hereditary leiomyomatosis and renal cell cancer. Also called: MULTIPLE CUTANEOUS AND UTERINE LEIOMYOMATA 1, WITH OR WITHOUT RENAL CELL CARCINOMA; LEIOMYOMA, MULTIPLE CUTANEOUS; FH tumor predisposition syndrome; Reed syndrome; Multiple cutaneous and uterine leiomyomatosis; Cutaneous leiomyomata with uterine leiomyomata. Identifiers: Orphanet 523, MedGen C1708350, MONDO:0007888, OMIM 150800, HP:0007437. Disease mechanism: loss of function.

Submission:

Myriad Genetics, Inc.
Classification: Likely benign for Hereditary leiomyomatosis and renal cell cancer. Last evaluated: 2024-10-21. Review status: criteria provided, single submitter. Criteria: Myriad Autosomal Dominant, Autosomal Recessive and X-Linked Classification Criteria (2023). Collection method: clinical testing. Allele origin: unknown.
Comment: This variant is considered likely benign. This variant is intronic and is not expected to impact mRNA splicing.

NM_000143.4(FH):c.1391-17T>C

Gene: FH (fumarate hydratase; minus strand). Cytogenetic location: 1q43.
Variant type: single nucleotide variant.
Coding change: c.1391-17T>C on transcript NM_000143.4 (MANE Select); 17 bases into the intron before coding-DNA position 1391, T replaced by C.
Molecular consequence: intron variant.
Genome position (GRCh38, 1-based): chr1:241,497,987, A>G on the plus strand (T>C on the coding strand, the complement: FH is on the minus strand). VCF-style: chr1-241497987-A-G. GRCh37 (hg19) VCF-style: chr1-241661287-A-G.
Identifiers: ClinVar variation 3773409 (VCV003773409.1).